The following is an entry in ClinVar:

ClinVar aggregate classification (germline): Conflicting classifications of pathogenicity. Review status: criteria provided, conflicting classifications (1 of 4 stars). 4 submissions from 4 submitters: Uncertain significance (1); Likely benign (2). 1 of the submissions does not count toward it. Last evaluated 2025-11-12.

Conditions:
Short-rib thoracic dysplasia 6 with or without polydactyly (SRTD6). Also called: POLYDACTYLY WITH NEONATAL CHONDRODYSTROPHY, TYPE II; SHORT RIB-POLYDACTYLY SYNDROME, TYPE IIA; SHORT-RIB THORACIC DYSPLASIA 6 WITH POLYDACTYLY; SHORT-RIB THORACIC DYSPLASIA 6 WITHOUT POLYDACTYLY; Majewski Syndrome. Identifiers: MedGen C0024507, MONDO:0009894, OMIM 263520.
NEK1-related disorder. Also called: NEK1-related condition.

Allele frequency attached by ClinVar (database versions not stated): gnomAD exomes 0.00002 and 0.00003; ExAC 0.00007; ESP Exome Variant Server 0.00009; gnomAD 0.00011 and 0.00015; TOPMed 0.00013; 1000 Genomes Project 30x 0.00062; 1000 Genomes Project 0.00080.
gnomAD v4.1: 51 of 1,613,724 alleles (0.0032%); highest among the groups gnomAD compares: African/African-American, 0.048%; no homozygotes.

Submissions (4):

Labcorp Genetics (formerly Invitae), Labcorp
Classification: Likely benign for Short-rib thoracic dysplasia 6 with or without polydactyly. Last evaluated: 2025-11-12. Review status: criteria provided, single submitter. Criteria: Invitae Variant Classification Sherloc (09022015). Collection method: clinical testing. Allele origin: germline.

ARUP Laboratories, Molecular Genetics and Genomics, ARUP Laboratories
Classification: Likely benign. Last evaluated: 2023-11-29. Review status: criteria provided, single submitter. Criteria: ARUP Molecular Germline Variant Investigation Process 2024. Collection method: clinical testing. Allele origin: germline.

Illumina Laboratory Services, Illumina
Classification: Uncertain significance for Short-rib thoracic dysplasia 6 with or without polydactyly. Last evaluated: 2018-01-13. Review status: criteria provided, single submitter. Criteria: ICSL Variant Classification Criteria 13 December 2019. Collection method: clinical testing. Allele origin: germline.

PreventionGenetics, part of Exact Sciences
Classification: Likely benign for NEK1-related condition. Last evaluated: 2023-12-26. Review status: no assertion criteria provided. Collection method: clinical testing. Allele origin: germline. Not counted in ClinVar's aggregate classification.
Comment: This variant is classified as likely benign based on ACMG/AMP sequence variant interpretation guidelines (Richards et al. 2015 PMID: 25741868, with internal and published modifications).

NM_001199397.3(NEK1):c.912T>C (p.Pro304=)

Gene: NEK1 (NIMA related kinase 1; minus strand). Cytogenetic location: 4q33.
Variant type: single nucleotide variant.
Coding change: c.912T>C on transcript NM_001199397.3 (MANE Select); coding-DNA position 912, T replaced by C.
Protein change: p.Pro304=; no amino-acid change (proline 304 retained).
Molecular consequence: synonymous variant. On other transcripts: non-coding transcript variant (2).
Genome position (GRCh38, 1-based): chr4:169,577,036, A>G on the plus strand (T>C on the coding strand, the complement: NEK1 is on the minus strand). VCF-style: chr4-169577036-A-G. GRCh37 (hg19) VCF-style: chr4-170498187-A-G.
Other names: c.912T>C, p.Pro304= (NM_001199398.3, NM_001199399.3, NM_001199400.3 and 7 more transcripts).
Identifiers: ClinVar variation 900738 (VCV000900738.19), dbSNP rs139433990, ClinGen allele CA3137910.